The following is an entry in ClinVar:

ClinVar aggregate classification (germline): Uncertain significance (1 of 4 stars; one submission).

Allele frequency attached by ClinVar (database versions not stated): gnomAD exomes below 0.00001.
gnomAD v4.1: 2 of 1,614,234 alleles (0.00012%); highest among the groups gnomAD compares: Non-Finnish European, 0.00017%; no homozygotes.

Submission:

Labcorp Genetics (formerly Invitae), Labcorp
Classification: Uncertain significance. Last evaluated: 2024-01-09. Review status: criteria provided, single submitter. Criteria: Invitae Variant Classification Sherloc (09022015). Collection method: clinical testing. Allele origin: germline.
Comment: This sequence change replaces asparagine, which is neutral and polar, with tyrosine, which is neutral and polar, at codon 3369 of the ANK3 protein (p.Asn3369Tyr). This variant is not present in population databases (gnomAD no frequency). This variant has not been reported in the literature in individuals affected with ANK3-related conditions. Advanced modeling of protein sequence and biophysical properties (such as structural, functional, and spatial information, amino acid conservation, physicochemical variation, residue mobility, and thermodynamic stability) performed at Invitae indicates that this missense variant is not expected to disrupt ANK3 protein function with a negative predictive value of 80%. In summary, the available evidence is currently insufficient to determine the role of this variant in disease. Therefore, it has been classified as a Variant of Uncertain Significance.

NM_020987.5(ANK3):c.10105A>T (p.Asn3369Tyr)

Gene: ANK3 (ankyrin 3; minus strand). Cytogenetic location: 10q21.2.
Variant type: single nucleotide variant.
Coding change: c.10105A>T on transcript NM_020987.5 (MANE Select); coding-DNA position 10105, A replaced by T.
Protein change: p.Asn3369Tyr; replaces asparagine 3369 with tyrosine.
Molecular consequence: missense variant. On other transcripts: intron variant (4).
Genome position (GRCh38, 1-based): chr10:60,070,776, T>A on the plus strand (A>T on the coding strand, the complement: ANK3 is on the minus strand). VCF-style: chr10-60070776-T-A. GRCh37 (hg19) VCF-style: chr10-61830534-T-A.
Other names: c.4388-2767A>T (NM_001204403.2); c.4409-2767A>T (NM_001204404.2); c.4406-2767A>T (NM_001320874.2); c.1808-2767A>T (NM_001149.4); short protein forms N3369Y.
Identifiers: ClinVar variation 2781232 (VCV002781232.3), dbSNP rs2492527563, ClinGen allele CA377001478.